The following is an entry in ClinVar:

ClinVar aggregate classification (germline): Benign (1 of 4 stars; one submission).

Allele frequency attached by ClinVar (database versions not stated): gnomAD 0.35834 and 0.37025; TOPMed 0.36919; 1000 Genomes Project 30x 0.45050; 1000 Genomes Project 0.46386.
gnomAD v4.1: 56,381 of 152,156 alleles (37%); highest among the groups gnomAD compares: East Asian, 80%; 11,519 homozygotes.

Submission:

GeneDx
Classification: Benign. Last evaluated: 2018-06-14. Review status: criteria provided, single submitter. Criteria: GeneDx Variant Classification (06012015). Collection method: clinical testing. Allele origin: germline. Affected: yes.
Comment: This variant is considered likely benign or benign based on one or more of the following criteria: it is a conservative change, it occurs at a poorly conserved position in the protein, it is predicted to be benign by multiple in silico algorithms, and/or has population frequency not consistent with disease.

NM_001271.4(CHD2):c.4137+183A>G

Gene: CHD2 (chromodomain helicase DNA binding protein 2; plus strand). Cytogenetic location: 15q26.1.
Variant type: single nucleotide variant.
Coding change: c.4137+183A>G on transcript NM_001271.4 (MANE Select); 183 bases into the intron after coding-DNA position 4137, A replaced by G.
Molecular consequence: intron variant.
Genome position (GRCh38, 1-based): chr15:93,000,823, A>G. VCF-style: chr15-93000823-A-G. GRCh37 (hg19) VCF-style: chr15-93544053-A-G.
Identifiers: ClinVar variation 678935 (VCV000678935.1), dbSNP rs6497013, ClinGen allele CA14090908.